The following is an entry in ClinVar:

ClinVar aggregate classification (germline): Conflicting classifications of pathogenicity. Review status: criteria provided, conflicting classifications (1 of 4 stars). 2 submissions from 2 submitters: Uncertain significance (1); Likely benign (1). Last evaluated 2025-11-24.

Allele frequency attached by ClinVar (database versions not stated): gnomAD exomes 0.00009 and 0.00022; ExAC 0.00031; 1000 Genomes Project 0.00060; 1000 Genomes Project 30x 0.00062; gnomAD 0.00093 and 0.00099; TOPMed 0.00098; ESP Exome Variant Server 0.00108.
gnomAD v4.1: 280 of 1,610,246 alleles (0.017%); highest among the groups gnomAD compares: African/African-American, 0.33%; no homozygotes.

Submissions (2):

Labcorp Genetics (formerly Invitae), Labcorp
Classification: Likely benign. Last evaluated: 2025-11-24. Review status: criteria provided, single submitter. Criteria: Invitae Variant Classification Sherloc (09022015). Collection method: clinical testing. Allele origin: germline.

GeneDx
Classification: Uncertain significance. Last evaluated: 2024-08-03. Review status: criteria provided, single submitter. Criteria: GeneDx Variant Classification Process June 2021. Collection method: clinical testing. Allele origin: germline. Affected: yes.
Comment: In silico analysis supports that this missense variant has a deleterious effect on protein structure/function; Has not been previously published as pathogenic or benign to our knowledge

NM_001286577.2(C2CD3):c.4031C>T (p.Pro1344Leu)

Gene: C2CD3 (C2 domain containing 3 centriole elongation regulator; minus strand). Cytogenetic location: 11q13.4.
Variant type: single nucleotide variant.
Coding change: c.4031C>T on transcript NM_001286577.2 (MANE Select); coding-DNA position 4031, C replaced by T.
Protein change: p.Pro1344Leu; replaces proline 1344 with leucine.
Molecular consequence: missense variant.
Genome position (GRCh38, 1-based): chr11:74,078,687, G>A on the plus strand (C>T on the coding strand, the complement: C2CD3 is on the minus strand). VCF-style: chr11-74078687-G-A. GRCh37 (hg19) VCF-style: chr11-73789732-G-A.
Other names: c.4031C>T, p.Pro1344Leu (NM_015531.6); short protein forms P1344L.
Identifiers: ClinVar variation 752006 (VCV000752006.10), dbSNP rs150661838, ClinGen allele CA6182223.